The following is an entry in ClinVar:

ClinVar aggregate classification (germline): Pathogenic (1 of 4 stars; one submission).

Submission:

GeneDx
Classification: Pathogenic. Last evaluated: 2016-09-08. Review status: criteria provided, single submitter. Criteria: GeneDx Variant Classification (06012015). Collection method: clinical testing. Allele origin: germline. Affected: yes.
Comment: The de novo M263K pathogenic variant in the GABRA1 gene has not been reported previously as a pathogenic variant, nor as a benign variant, to our knowledge. However, pathogenic missense variants at this same codon (M263T and M263I) have been reported to occur de novo in individuals with West syndrome (Kodera et al., 2016). The M263K variant was not observed in approximately 6,500 individuals of European and African American ancestry in the NHLBI Exome Sequencing Project, indicating it is not a common benign variant in these populations. The M263K variant is a non-conservative amino acid substitution, which is likely to impact secondary protein structure as these residues differ in polarity, charge, size and/or other properties. This substitution occurs at a position that is conserved across species. In silico analysis predicts this variant is probably damaging to the protein structure/function. We interpret M263K as a pathogenic variant.

NM_001127644.2(GABRA1):c.788T>A (p.Met263Lys)

Gene: GABRA1 (gamma-aminobutyric acid type A receptor subunit alpha1; plus strand). Cytogenetic location: 5q34.
Variant type: single nucleotide variant.
Coding change: c.788T>A on transcript NM_001127644.2 (MANE Select); coding-DNA position 788, T replaced by A.
Protein change: p.Met263Lys; replaces methionine 263 with lysine.
Molecular consequence: missense variant.
Genome position (GRCh38, 1-based): chr5:161,890,982, T>A. VCF-style: chr5-161890982-T-A. GRCh37 (hg19) VCF-style: chr5-161317988-T-A.
Other names: c.788T>A, p.Met263Lys (NM_000806.5, NM_001127643.2, NM_001127645.2 and 1 more transcripts); short protein forms M263K.
Identifiers: ClinVar variation 280804 (VCV000280804.2), dbSNP rs796052491, ClinGen allele CA10602913.